The following is an entry in ClinVar:

NM_001033046.4(CYBC1):c.415A>G (p.Thr139Ala)

Gene: CYBC1 (cytochrome b-245 chaperone 1; minus strand). Cytogenetic location: 17q25.3.
Variant type: single nucleotide variant.
Coding change: c.415A>G on transcript NM_001033046.4 (MANE Select); coding-DNA position 415, A replaced by G.
Protein change: p.Thr139Ala; replaces threonine 139 with alanine.
Molecular consequence: missense variant. On other transcripts: non-coding transcript variant (4).
Genome position (GRCh38, 1-based): chr17:82,444,475, T>C on the plus strand (A>G on the coding strand, the complement: CYBC1 is on the minus strand). VCF-style: chr17-82444475-T-C. GRCh37 (hg19) VCF-style: chr17-80402351-T-C.
Other names: c.415A>G, p.Thr139Ala (NM_001100407.3, NM_001193653.2, NM_001193654.2 and 2 more transcripts); c.373A>G, p.Thr125Ala (NM_001100408.3); short protein forms T139A, T125A.
Identifiers: ClinVar variation 1936727 (VCV001936727.4), dbSNP rs767023192, ClinGen allele CA8858213.

ClinVar aggregate classification (germline): Uncertain significance (1 of 4 stars; one submission).

Allele frequency attached by ClinVar (database versions not stated): TOPMed 0.00001; ExAC 0.00002; gnomAD 0.00002; gnomAD exomes 0.00002.
gnomAD v4.1: 31 of 1,613,250 alleles (0.0019%); highest among the groups gnomAD compares: African/African-American, 0.0027%; no homozygotes.

Submission:

Labcorp Genetics (formerly Invitae), Labcorp
Classification: Uncertain significance. Last evaluated: 2022-07-16. Review status: criteria provided, single submitter. Criteria: Invitae Variant Classification Sherloc (09022015). Collection method: clinical testing. Allele origin: germline.
Comment: This variant is present in population databases (rs767023192, gnomAD 0.007%). This variant has not been reported in the literature in individuals affected with C17orf62-related conditions. Algorithms developed to predict the effect of missense changes on protein structure and function (SIFT, PolyPhen-2, Align-GVGD) all suggest that this variant is likely to be disruptive. In summary, the available evidence is currently insufficient to determine the role of this variant in disease. Therefore, it has been classified as a Variant of Uncertain Significance. This sequence change replaces threonine, which is neutral and polar, with alanine, which is neutral and non-polar, at codon 139 of the C17orf62 protein (p.Thr139Ala).